The following is an entry in ClinVar:

NM_005633.4(SOS1):c.2089G>A (p.Val697Ile)

Gene: SOS1 (SOS Ras/Rac guanine nucleotide exchange factor 1; minus strand). Cytogenetic location: 2p22.1.
Variant type: single nucleotide variant.
Coding change: c.2089G>A on transcript NM_005633.4 (MANE Select); coding-DNA position 2089, G replaced by A.
Protein change: p.Val697Ile; replaces valine 697 with isoleucine.
Molecular consequence: missense variant.
Genome position (GRCh38, 1-based): chr2:39,013,538, C>T on the plus strand (G>A on the coding strand, the complement: SOS1 is on the minus strand). VCF-style: chr2-39013538-C-T. GRCh37 (hg19) VCF-style: chr2-39240679-C-T.
Other names: c.2068G>A, p.Val690Ile (NM_001382394.1); c.2089G>A, p.Val697Ile (NM_001382395.1); short protein forms V697I, V690I.
Identifiers: ClinVar variation 1785686 (VCV001785686.3), dbSNP rs966388444, ClinGen allele CA346364676.
Genomic context (GRCh38, chr2:39,013,538, plus strand): 5'-ATTCTTCCATTCGTTGCAAAAGATATGCATCTCTTTCAAAATCATAGAAGTGGTGCTCTA[C>T]CCAGTGCCGACATACATTTAATACTCTATGGCATTAACACAGAATTGAATTACATGGGAA-3'
Protein context (NP_005624.2, residues 687-707): LRVLNVCRHW[Val697Ile]EHHFYDFERD

ClinVar aggregate classification (germline): Uncertain significance. Review status: criteria provided, multiple submitters, no conflicts (2 of 4 stars). 2 submissions from 2 submitters: Uncertain significance (2). Last evaluated 2024-02-29.

Conditions:
Cardiovascular phenotype. Identifiers: MedGen CN230736.

gnomAD v4.1: 2 of 1,610,260 alleles (0.00012%); highest among the groups gnomAD compares: East Asian, 0.0022%; no homozygotes.

Submissions (2):

Blueprint Genetics
Classification: Uncertain significance. Last evaluated: 2024-02-29. Review status: criteria provided, single submitter. Criteria: ACMG Guidelines, 2015. Collection method: clinical testing. Allele origin: germline.

Ambry Genetics
Classification: Uncertain significance for Cardiovascular phenotype. Last evaluated: 2020-09-16. Review status: criteria provided, single submitter. Criteria: Ambry Variant Classification Scheme 2023. Collection method: clinical testing. Allele origin: germline.
Comment: The p.V697I variant (also known as c.2089G>A), located in coding exon 13 of the SOS1 gene, results from a G to A substitution at nucleotide position 2089. The valine at codon 697 is replaced by isoleucine, an amino acid with highly similar properties. This amino acid position is well conserved in available vertebrate species; however, isoleucine is the reference amino acid in other vertebrate species. In addition, this alteration is predicted to be tolerated by in silico analysis. Since supporting evidence is limited at this time, the clinical significance of this alteration remains unclear.